The following is an entry in ClinVar:

NM_019842.4(KCNQ5):c.2216C>T (p.Ala739Val)

Gene: KCNQ5 (potassium voltage-gated channel subfamily Q member 5; plus strand). Cytogenetic location: 6q13.
Variant type: single nucleotide variant.
Coding change: c.2216C>T on transcript NM_019842.4 (MANE Select); coding-DNA position 2216, C replaced by T.
Protein change: p.Ala739Val; replaces alanine 739 with valine.
Molecular consequence: missense variant.
Genome position (GRCh38, 1-based): chr6:73,194,831, C>T. VCF-style: chr6-73194831-C-T. GRCh37 (hg19) VCF-style: chr6-73904554-C-T.
Other names: c.2189C>T, p.Ala730Val (NM_001160130.2); c.2246C>T, p.Ala749Val (NM_001160132.2); c.2273C>T, p.Ala758Val (NM_001160133.2); c.1886C>T, p.Ala629Val (NM_001160134.2); short protein forms A629V, A730V, A739V, A749V, A758V.
Identifiers: ClinVar variation 5018108 (VCV005018108.1).

ClinVar aggregate classification (germline): Uncertain significance (1 of 4 stars; one submission).

Submission:

GeneDx
Classification: Uncertain significance. Last evaluated: 2026-04-01. Review status: criteria provided, single submitter. Criteria: GeneDx Variant Classification Process June 2021. Collection method: clinical testing. Allele origin: germline.
Comment: Not observed at significant frequency in large population cohorts (gnomAD); In silico analysis suggests that this missense variant does not alter protein structure/function; Has not been previously published as pathogenic or benign to our knowledge